The following is an entry in ClinVar:

NM_021625.5(TRPV4):c.556C>T (p.Arg186Ter)

Gene: TRPV4 (transient receptor potential cation channel subfamily V member 4; minus strand). Cytogenetic location: 12q24.11.
Variant type: single nucleotide variant.
Coding change: c.556C>T on transcript NM_021625.5 (MANE Select); coding-DNA position 556, C replaced by T.
Protein change: p.Arg186Ter; replaces arginine 186 with a stop codon.
Molecular consequence: nonsense.
Genome position (GRCh38, 1-based): chr12:109,808,299, G>A on the plus strand (C>T on the coding strand, the complement: TRPV4 is on the minus strand). VCF-style: chr12-109808299-G-A. GRCh37 (hg19) VCF-style: chr12-110246104-G-A.
Other names: c.556C>T, p.Arg186Ter (NM_001177428.2, NM_001177433.2, NM_147204.3); c.454C>T, p.Arg152Ter (NM_001177431.2); short protein forms R186*, R152*.
Identifiers: ClinVar variation 571803 (VCV000571803.10), dbSNP rs773622769, ClinGen allele CA6780519.

ClinVar aggregate classification (germline): Conflicting classifications of pathogenicity. Review status: criteria provided, conflicting classifications (1 of 4 stars). 3 submissions from 3 submitters: Uncertain significance (2); Likely benign (1). Last evaluated 2025-05-21.

Conditions:
Charcot-Marie-Tooth disease axonal type 2C (HMSN2C). Also called: Charcot-Marie-Tooth Disease Type 2, TRPV4-Related (CMT2C); CHARCOT-MARIE-TOOTH DISEASE, AXONAL, AUTOSOMAL DOMINANT, TYPE 2C; Charcot-Marie-Tooth Neuropathy Type 2C. Identifiers: Orphanet 99937, MedGen C1853710, MONDO:0011633, OMIM 606071.

Allele frequency attached by ClinVar (database versions not stated): TOPMed below 0.00001; gnomAD 0.00001; gnomAD exomes 0.00001; ExAC 0.00002.

Submissions (3):

Revvity Omics, Revvity
Classification: Uncertain significance. Last evaluated: 2025-05-21. Review status: criteria provided, single submitter. Criteria: ACMG Guidelines, 2015. Collection method: clinical testing. Allele origin: germline.

Labcorp Genetics (formerly Invitae), Labcorp
Classification: Uncertain significance for Charcot-Marie-Tooth disease axonal type 2C. Last evaluated: 2024-12-08. Review status: criteria provided, single submitter. Criteria: Invitae Variant Classification Sherloc (09022015). Collection method: clinical testing. Allele origin: germline.
Comment: This sequence change creates a premature translational stop signal (p.Arg186*) in the TRPV4 gene. It is expected to result in an absent or disrupted protein product. However, the current clinical and genetic evidence is not sufficient to establish whether loss-of-function variants in TRPV4 cause disease. This variant is present in population databases (rs773622769, gnomAD 0.002%). This variant has not been reported in the literature in individuals affected with TRPV4-related conditions. ClinVar contains an entry for this variant (Variation ID: 571803). In summary, the available evidence is currently insufficient to determine the role of this variant in disease. Therefore, it has been classified as a Variant of Uncertain Significance.

Blueprint Genetics
Classification: Likely benign. Last evaluated: 2023-10-20. Review status: criteria provided, single submitter. Criteria: ACMG Guidelines, 2015. Collection method: clinical testing. Allele origin: germline.